The following is an entry in ClinVar:

ClinVar aggregate classification (germline): Pathogenic (1 of 4 stars; one submission).

Conditions:
Hereditary breast ovarian cancer syndrome. Also called: Hereditary breast and ovarian cancer syndrome (HBOC); Hereditary breast and ovarian cancer; Hereditary breast and/or ovarian cancer syndrome; Hereditary breast and ovarian cancer syndrome; Breast and ovarian cancer; BRCA1- and BRCA2-Associated Hereditary Breast and Ovarian Cancer. Identifiers: Orphanet 145, MedGen C0677776, MeSH D061325, MONDO:0003582. Disease mechanism: loss of function.

Submission:

Labcorp Genetics (formerly Invitae), Labcorp
Classification: Pathogenic for Hereditary breast ovarian cancer syndrome. Last evaluated: 2018-05-15. Review status: criteria provided, single submitter. Criteria: Invitae Variant Classification Sherloc (09022015). Collection method: clinical testing. Allele origin: germline.
Comment: For these reasons, this variant has been classified as Pathogenic. Loss-of-function variants in BRCA1 are known to be pathogenic (PMID: 20104584). This variant has not been reported in the literature in individuals with BRCA1-related disease. This variant is not present in population databases (ExAC no frequency). This sequence change creates a premature translational stop signal (p.His318Glnfs*23) in the BRCA1 gene. It is expected to result in an absent or disrupted protein product.

Literature cited by the submitters: PubMed 20104584.

NM_007294.4(BRCA1):c.954del (p.His318fs)

Gene: BRCA1 (BRCA1 DNA repair associated; minus strand). Cytogenetic location: 17q21.31.
Variant type: Deletion.
Coding change: c.954del on transcript NM_007294.4 (MANE Select); coding-DNA position 954, one base deleted (T; older notation c.954delT).
Protein change: p.His318fs; shifts the reading frame from histidine 318.
Molecular consequence: frameshift variant. On other transcripts: intron variant (137).
Genome position (GRCh38, 1-based): chr17:43,094,577, A deleted on the plus strand (T on the coding strand, the reverse complement: BRCA1 is on the minus strand). VCF-style (leftmost placement, unchanged base first): chr17-43094576-TA-T. GRCh37 (hg19) VCF-style: chr17-41246593-TA-T.
Other names: c.741del, p.His247fs (NM_001407895.1, NM_001407896.1, NM_001407897.1 and 9 more transcripts); c.744del, p.His248fs (NM_001407900.1, NM_001407902.1, NM_001407904.1 and 13 more transcripts); c.954del, p.His318fs (NM_001407581.1, NM_001407582.1, NM_001407583.1 and 30 more transcripts); c.951del, p.His317fs (NM_001407587.1, NM_001407590.1, NM_001407591.1 and 22 more transcripts); c.945del, p.His315fs (NM_001407646.1, NM_001407647.1); c.831del, p.His277fs (NM_001407648.1, NM_001407664.1, NM_001407665.1 and 19 more transcripts); c.828del, p.His276fs (NM_001407649.1, NM_001407670.1, NM_001407671.1 and 11 more transcripts); c.876del, p.His292fs (NM_001407653.1, NM_001407654.1, NM_001407655.1 and 4 more transcripts); and 40 more; short protein forms H271fs, H318fs, H191fs, H229fs, H251fs, H270fs, H291fs, H206fs.
Identifiers: ClinVar variation 567541 (VCV000567541.8), dbSNP rs1567801398, ClinGen allele CA891844212.